The following is an entry in ClinVar:

NM_000394.4(CRYAA):c.346C>T (p.Arg116Cys)

Gene: CRYAA (crystallin alpha A; plus strand). Cytogenetic location: 21q22.3.
Variant type: single nucleotide variant.
Coding change: c.346C>T on transcript NM_000394.4 (MANE Select); coding-DNA position 346, C replaced by T.
Protein change: p.Arg116Cys; replaces arginine 116 with cysteine.
Molecular consequence: missense variant.
Genome position (GRCh38, 1-based): chr21:43,172,104, C>T. VCF-style: chr21-43172104-C-T. GRCh37 (hg19) VCF-style: chr21-44592214-C-T.
Other names: c.235C>T, p.Arg79Cys (NM_001363766.1); c.346C>T (NM_000394.2); short protein forms R116C, R79C.
Identifiers: ClinVar variation 16957 (VCV000016957.56), dbSNP rs74315439, ClinGen allele CA214969.

ClinVar aggregate classification (germline): Pathogenic. Review status: criteria provided, multiple submitters, no conflicts (2 of 4 stars). 9 submissions from 9 submitters: Pathogenic (8). 1 of the submissions does not count toward it. Last evaluated 2026-04-01.

Conditions:
CRYAA-related disorder. Also called: CRYAA-related condition.
Cataract 9 multiple types. Also called: Cataract 9, multiple types, with or without microcornea; Cataract, autosomal recessive congenital 1. Identifiers: Orphanet 1377, MedGen C1858679, MONDO:0011413, OMIM 604219.

Submissions (9):

Molecular Medicine, University of Pavia
Classification: Pathogenic for Cataract 9 multiple types. Last evaluated: 2026-04-01. Review status: criteria provided, single submitter. Criteria: ACMG Guidelines, 2015. Collection method: research. Allele origin: inherited. Affected: yes. Observed: 3 variant alleles.
Comment: The NM_000394.4:c.346C>T, is a missense variant in CRYAA that substitutes the Arginine 116 into a Cysteine. This variant is absent from GnomAD 4.1.0 database and it has been previously reported 6 times in ClinVar (VCV000016957.49) and in 46 publications. In summary, this variant meets criteria to be classified as pathogenic based on the ACMG/AMP criteria applied: PS4, PS3_supp, PM2_supp, PM5; PP3, PP1

GeneDx
Classification: Pathogenic. Last evaluated: 2025-08-14. Review status: criteria provided, single submitter. Criteria: GeneDx Variant Classification Process June 2021. Collection method: clinical testing. Allele origin: germline. Affected: yes.
Comment: Not observed at significant frequency in large population cohorts (gnomAD); In silico analysis supports that this missense variant has a deleterious effect on protein structure/function; Also known as c.413C>T; This variant is associated with the following publications: (PMID: 10684623, 20465443, 22045060, 18085469, 22140512, 22347476, 16735993, 17296897, 11123904, 9467006, 37337769)

PreventionGenetics, part of Exact Sciences
Classification: Pathogenic for CRYAA-related condition. Last evaluated: 2025-07-16. Review status: criteria provided, single submitter. Criteria: ACMG Guidelines, 2015. Collection method: clinical testing. Allele origin: germline.
Comment: The CRYAA c.346C>T variant is predicted to result in the amino acid substitution p.Arg116Cys. This variant has been reported to segregate in two large families with autosomal dominant cataracts (Litt et al. 1998. PubMed ID: 9467006; Beby et al. 2007. PubMed ID: 17296897). Alternate missense changes at this location (p.Arg116Gly and p.Arg116His) have been reported in individuals with cataracts (Bell et al. 2021. PubMed ID: 33494148; Hansen et al. 2007. PubMed ID: 17724170). Functional studies show the variant causes significant changes to secondary and tertiary protein structure, which results in overexpression as well as faster protein degradation compared to wild-type (Kore et al. 2011. PubMed ID: 22045060; Raju et al. 2011. PubMed ID: 22140512; Raju et al. 2012. PubMed ID: 22347476). This variant has not been reported in a large population database (gnomAD), indicating this variant is rare. This variant is interpreted as pathogenic.

Ambry Genetics
Classification: Pathogenic. Last evaluated: 2025-07-15. Review status: criteria provided, single submitter. Criteria: Ambry Variant Classification Scheme 2023. Collection method: clinical testing. Allele origin: germline.
Comment: The c.346C>T (p.R116C) alteration is located in exon 3 (coding exon 3) of the CRYAA gene. This alteration results from a C to T substitution at nucleotide position 346, causing the arginine (R) at amino acid position 116 to be replaced by a cysteine (C). This variant was not reported in population-based cohorts in the Genome Aggregation Database (gnomAD). This variant was reported heterozygous in individuals with features consistent with CRYAA-related cataract (Liu, 2023, Li, 2010). Other variant(s) at the same codon, c.347G>A (p.R116H) have been identified in individuals with features consistent with CRYAA-related cataract (Hansen, 2007). This amino acid position is highly conserved in available vertebrate species. In multiple assays testing CRYAA function, this variant showed functionally abnormal results (Raju, 2012, Raju, 2011, Hsu, 2006). This alteration is predicted to be deleterious by in silico analysis. Based on the available evidence, this alteration is classified as pathogenic.

Labcorp Genetics (formerly Invitae), Labcorp
Classification: Pathogenic for Cataract 9 multiple types. Last evaluated: 2025-04-14. Review status: criteria provided, single submitter. Criteria: Invitae Variant Classification Sherloc (09022015). Collection method: clinical testing. Allele origin: germline.
Comment: This sequence change replaces arginine, which is basic and polar, with cysteine, which is neutral and slightly polar, at codon 116 of the CRYAA protein (p.Arg116Cys). This variant is not present in population databases (gnomAD no frequency). This missense change has been observed in individual(s) with autosomal dominant congenital cataract (PMID: 9467006, 16735993, 17296897). It has also been observed to segregate with disease in related individuals. ClinVar contains an entry for this variant (Variation ID: 16957). Invitae Evidence Modeling of protein sequence and biophysical properties (such as structural, functional, and spatial information, amino acid conservation, physicochemical variation, residue mobility, and thermodynamic stability) indicates that this missense variant is expected to disrupt CRYAA protein function with a positive predictive value of 95%. Experimental studies have shown that this missense change affects CRYAA function (PMID: 10684623, 11123904, 18085469, 22045060, 22140512, 22347476). This variant disrupts the p.Arg116 amino acid residue in CRYAA. Other variant(s) that disrupt this residue have been determined to be pathogenic (PMID: 18302245, 20079887, 22045060, 22216983). This suggests that this residue is clinically significant, and that variants that disrupt this residue are likely to be disease-causing. For these reasons, this variant has been classified as Pathogenic.

Blueprint Genetics
Classification: Pathogenic for CRYAA-related disorders. Last evaluated: 2021-08-20. Review status: criteria provided, single submitter. Criteria: ACMG Guidelines, 2015. Collection method: clinical testing. Allele origin: germline. Affected: yes. Observed: 3 variant alleles.

CeGaT Center for Human Genetics Tuebingen
Classification: Pathogenic. Last evaluated: 2019-12-01. Review status: criteria provided, single submitter. Criteria: CeGaT Center For Human Genetics Tuebingen Variant Classification Criteria Version 2. Collection method: clinical testing. Allele origin: germline. Affected: yes. Observed: 1 variant allele.

Juno Genomics, Hangzhou Juno Genomics, Inc
Classification: Pathogenic for Cataract 9 multiple types. Review status: criteria provided, single submitter. Criteria: ACMG Guidelines, 2015. Collection method: clinical testing. Allele origin: germline. Affected: yes.
Comment: Absent from controls (or at extremely low frequency if recessive) in Genome Aggregation Database, Exome Sequencing Project, 1000 Genomes Project, or Exome Aggregation Consortium.;Novel missense change at an amino acid residue where a different missense change determined to be pathogenic has been seen before.;Well-established in vitro or in vivo functional studies supportive of a damaging effect on the gene or gene product.;The prevalence of the variant in affected individuals is significantly increased compared to the prevalence in controls.;Co-segregation with disease in multiple affected family members in a gene definitively known to cause the disease.;Patient's phenotype or family history is highly specific for a disease with a single genetic etiology.

OMIM
Classification: Pathogenic for CATARACT 9, MULTIPLE TYPES, WITH OR WITHOUT MICROCORNEA. Last evaluated: 2007-02-01. Review status: no assertion criteria provided. Collection method: literature only. Allele origin: germline. Not counted in ClinVar's aggregate classification.

Literature cited by the submitters: PubMed 16639013 (cited by Ambry Genetics); PubMed 17724170 (cited by Ambry Genetics); PubMed 20465443 (cited by Ambry Genetics); PubMed 22140512 (cited by Ambry Genetics and Labcorp Genetics (formerly Invitae), Labcorp); PubMed 22347476 (cited by Ambry Genetics and Labcorp Genetics (formerly Invitae), Labcorp); PubMed 37337769 (cited by Ambry Genetics); PubMed 9467006 (cited by Labcorp Genetics (formerly Invitae), Labcorp and OMIM); PubMed 16735993 (cited by Labcorp Genetics (formerly Invitae), Labcorp and OMIM); PubMed 17296897 (cited by Labcorp Genetics (formerly Invitae), Labcorp and OMIM); PubMed 10684623 (cited by Labcorp Genetics (formerly Invitae), Labcorp); PubMed 11123904 (cited by Labcorp Genetics (formerly Invitae), Labcorp and OMIM); PubMed 18085469 (cited by Labcorp Genetics (formerly Invitae), Labcorp); PubMed 22045060 (cited by Labcorp Genetics (formerly Invitae), Labcorp); PubMed 18302245 (cited by Labcorp Genetics (formerly Invitae), Labcorp); PubMed 20079887 (cited by Labcorp Genetics (formerly Invitae), Labcorp); PubMed 22216983 (cited by Labcorp Genetics (formerly Invitae), Labcorp); PubMed 12601044 (cited by OMIM).